The following is an entry in ClinVar:

ClinVar aggregate classification (germline): Uncertain significance. Review status: criteria provided, multiple submitters, no conflicts (2 of 4 stars). 2 submissions from 2 submitters: Uncertain significance (2). Last evaluated 2025-05-11.

Conditions:
Inborn genetic diseases. Identifiers: MedGen C0950123, MeSH D030342.
Mosaic variegated aneuploidy syndrome 2 (MVA2). Identifiers: Orphanet 1052, MedGen C3279843, MONDO:0013582, OMIM 614114.

gnomAD v4.1: 3 of 1,612,490 alleles (0.00019%); highest among the groups gnomAD compares: Non-Finnish European, 0.00017%; no homozygotes.

Submissions (2):

Ambry Genetics
Classification: Uncertain significance for Inborn genetic diseases. Last evaluated: 2025-05-11. Review status: criteria provided, single submitter. Criteria: Ambry Variant Classification Scheme 2023. Collection method: clinical testing. Allele origin: germline.
Comment: The p.N126D variant (also known as c.376A>G), located in coding exon 3 of the CEP57 gene, results from an A to G substitution at nucleotide position 376. The asparagine at codon 126 is replaced by aspartic acid, an amino acid with highly similar properties. This amino acid position is conserved. In addition, the in silico prediction for this alteration is inconclusive. Based on the available evidence, the clinical significance of this variant remains unclear.

Labcorp Genetics (formerly Invitae), Labcorp
Classification: Uncertain significance for Mosaic variegated aneuploidy syndrome 2. Last evaluated: 2024-08-20. Review status: criteria provided, single submitter. Criteria: Invitae Variant Classification Sherloc (09022015). Collection method: clinical testing. Allele origin: germline.
Comment: This sequence change replaces asparagine, which is neutral and polar, with aspartic acid, which is acidic and polar, at codon 126 of the CEP57 protein (p.Asn126Asp). This variant is present in population databases (no rsID available, gnomAD 0.0009%). This variant has not been reported in the literature in individuals affected with CEP57-related conditions. Invitae Evidence Modeling of protein sequence and biophysical properties (such as structural, functional, and spatial information, amino acid conservation, physicochemical variation, residue mobility, and thermodynamic stability) indicates that this missense variant is not expected to disrupt CEP57 protein function with a negative predictive value of 80%. In summary, the available evidence is currently insufficient to determine the role of this variant in disease. Therefore, it has been classified as a Variant of Uncertain Significance.

NM_014679.5(CEP57):c.376A>G (p.Asn126Asp)

Gene: CEP57 (centrosomal protein 57; plus strand). Cytogenetic location: 11q21.
Variant type: single nucleotide variant.
Coding change: c.376A>G on transcript NM_014679.5 (MANE Select); coding-DNA position 376, A replaced by G.
Protein change: p.Asn126Asp; replaces asparagine 126 with aspartic acid.
Molecular consequence: missense variant.
Genome position (GRCh38, 1-based): chr11:95,813,105, A>G. VCF-style: chr11-95813105-A-G. GRCh37 (hg19) VCF-style: chr11-95546269-A-G.
Other names: c.349A>G, p.Asn117Asp (NM_001243776.2); c.376A>G, p.Asn126Asp (NM_001243777.2); c.295A>G, p.Asn99Asp (NM_001363604.2); c.376A>G (NM_014679.4); short protein forms N117D, N126D, N99D.
Identifiers: ClinVar variation 3670284 (VCV003670284.3).